The following is an entry in ClinVar:

NM_017636.4(TRPM4):c.796+1G>A

Gene: TRPM4 (transient receptor potential cation channel subfamily M member 4; plus strand). Cytogenetic location: 19q13.33.
Variant type: single nucleotide variant.
Coding change: c.796+1G>A on transcript NM_017636.4 (MANE Select); the canonical splice donor site of the intron after coding-DNA position 796, G replaced by A.
Molecular consequence: splice donor variant.
Genome position (GRCh38, 1-based): chr19:49,168,737, G>A. VCF-style: chr19-49168737-G-A. GRCh37 (hg19) VCF-style: chr19-49671994-G-A.
Other names: c.796+1G>A (NM_001195227.2); c.-758+1G>A (NM_001321282.2); c.451+1G>A (NM_001321281.2); c.274+1G>A (NM_001321283.2); c.-54+1G>A (NM_001321285.2).
Identifiers: ClinVar variation 4703394 (VCV004703394.1).

ClinVar aggregate classification (germline): Uncertain significance (1 of 4 stars; one submission).

Conditions:
Progressive familial heart block type IB (PFHB1B). Identifiers: Orphanet 871, MedGen C1970298, MONDO:0011474, OMIM 604559.

gnomAD v4.1: 5 of 1,583,090 alleles (0.00032%); highest among the groups gnomAD compares: Admixed American, 0.0091%; no homozygotes.

Submission:

Labcorp Genetics (formerly Invitae), Labcorp
Classification: Uncertain significance for Progressive familial heart block type IB. Last evaluated: 2025-07-13. Review status: criteria provided, single submitter. Criteria: Invitae Variant Classification Sherloc (09022015). Collection method: clinical testing. Allele origin: germline.
Comment: This sequence change affects a donor splice site in intron 6 of the TRPM4 gene. It is expected to disrupt RNA splicing. Variants that disrupt the donor or acceptor splice site typically lead to a loss of protein function (PMID: 16199547), however the current clinical and genetic evidence is not sufficient to establish whether loss-of-function variants in TRPM4 cause disease. This variant is present in population databases (rs757709257, gnomAD 0.007%). This variant has not been reported in the literature in individuals affected with TRPM4-related conditions. Algorithms developed to predict the effect of sequence changes on RNA splicing suggest that this variant may disrupt the consensus splice site. In summary, the available evidence is currently insufficient to determine the role of this variant in disease. Therefore, it has been classified as a Variant of Uncertain Significance.

Literature cited by the submitters: PubMed 16199547.